The following is an entry in ClinVar:

ClinVar aggregate classification (germline): Pathogenic. Review status: criteria provided, multiple submitters, no conflicts (2 of 4 stars). 3 submissions from 3 submitters: Pathogenic (2). 1 of the submissions does not count toward it. Last evaluated 2021-03-09.

Conditions:
Pityriasis rubra pilaris (PRP). Also called: Pityriasis rubra pilaris--familial type. Identifiers: Orphanet 2897, MedGen C0032027, MONDO:0100017, OMIM 173200, MONDO:0008251.
Psoriasis 2. Identifiers: MedGen C1864497, MONDO:0011269, OMIM 602723.

Submissions (3):

Labcorp Genetics (formerly Invitae), Labcorp
Classification: Pathogenic for Pityriasis rubra pilaris; Psoriasis 2. Last evaluated: 2021-03-09. Review status: criteria provided, single submitter. Criteria: Invitae Variant Classification Sherloc (09022015). Collection method: clinical testing. Allele origin: germline.
Comment: Studies have shown that this variant is associated with the activation of a cryptic splice site in intron 3 (PMID: 22703878). This variant has been observed in individual(s) with clinical features of pityriasis rubra pilaris and psoriasis (PMID: 22703878, 28295164, Invitae). It has also been observed to segregate with disease in related individuals. ClinVar contains an entry for this variant (Variation ID: 280130). For these reasons, this variant has been classified as Pathogenic. This sequence change affects a donor splice site in intron 3 of the CARD14 gene. RNA analysis indicates that this variant induces altered splicing and likely results in the gain of 22 amino acid residue(s), but is expected to preserve the integrity of the reading-frame. This variant is not present in population databases (ExAC no frequency).

GeneDx
Classification: Pathogenic. Last evaluated: 2016-03-03. Review status: criteria provided, single submitter. Criteria: GeneDx Variant Classification (06012015). Collection method: clinical testing. Allele origin: germline. Affected: yes.
Comment: The c.349+1G>A pathogenic variant in the CARD14 gene has been reported previously in the heterozygous state in two related individuals with pityriasis rubra pilaris (Fuchs-Telem et al., 2012). This splice site variant destroys the canonical splice donor site in intron 3. Functional cDNA studies show that the c.349+1G>A variant results in the use of a cryptic splice donor site that leads to an in-frame insertion of 66 nucleotides (Fuchs-Telem et al., 2012). The c.349+1G>A variant was not observed in approximately 6500 individuals of European and African American ancestry in the NHLBI Exome Sequencing Project, indicating it is not a common benign variant in these populations. We interpret c.349+1G>A as a pathogenic variant.

OMIM
Classification: Pathogenic for PITYRIASIS RUBRA PILARIS. Last evaluated: 2012-07-13. Review status: no assertion criteria provided. Collection method: literature only. Allele origin: germline. Not counted in ClinVar's aggregate classification.

Literature cited by the submitters: PubMed 22703878 (cited by Labcorp Genetics (formerly Invitae), Labcorp and OMIM); PubMed 28295164 (cited by Labcorp Genetics (formerly Invitae), Labcorp).

NM_001366385.1(CARD14):c.349+1G>A

Gene: CARD14 (caspase recruitment domain family member 14; plus strand). Cytogenetic location: 17q25.3.
Variant type: single nucleotide variant.
Coding change: c.349+1G>A on transcript NM_001366385.1 (MANE Select); the canonical splice donor site of the intron after coding-DNA position 349, G replaced by A.
Molecular consequence: splice donor variant.
Genome position (GRCh38, 1-based): chr17:80,182,791, G>A. VCF-style: chr17-80182791-G-A. GRCh37 (hg19) VCF-style: chr17-78156590-G-A.
Other names: IVS3DS, G-A, +1; c.349+1G>A (NM_024110.4, NM_001257970.1).
Identifiers: ClinVar variation 280130 (VCV000280130.10), dbSNP rs886041402, ClinGen allele CA10603326.